The following is an entry in ClinVar:

NM_000245.4(MET):c.2585G>C (p.Gly862Ala)

Gene: MET (MET proto-oncogene, receptor tyrosine kinase; plus strand). Cytogenetic location: 7q31.2.
Variant type: single nucleotide variant.
Coding change: c.2585G>C on transcript NM_000245.4 (MANE Select); coding-DNA position 2585, G replaced by C.
Protein change: p.Gly862Ala; replaces glycine 862 with alanine.
Molecular consequence: missense variant.
Genome position (GRCh38, 1-based): chr7:116,769,646, G>C. VCF-style: chr7-116769646-G-C. GRCh37 (hg19) VCF-style: chr7-116409700-G-C.
Other names: c.2639G>C, p.Gly880Ala (NM_001127500.3); c.2585G>C, p.Gly862Ala (NM_001324401.3); c.1295G>C, p.Gly432Ala (NM_001324402.2); short protein forms G432A, G880A, G862A.
Identifiers: ClinVar variation 954717 (VCV000954717.14), dbSNP rs1394626435, ClinGen allele CA368985270.
Genomic context (GRCh38, chr7:116,769,646, plus strand): 5'-TTAGCATTCCTGCAGAACTGTGAAGTGTTAACAACCTTTTTTTTTTTTTTTCCTTTCAGG[G>C]AAATGATATTGACCCTGAAGCAGTTAAAGGTGAAGTGTTAAAAGTTGGAAATAAGAGCTG-3'
Protein context (NP_000236.2, residues 852-872): MGNENVLEIK[Gly862Ala]NDIDPEAVKG

ClinVar aggregate classification (germline): Uncertain significance. Review status: criteria provided, multiple submitters, no conflicts (2 of 4 stars). 3 submissions from 3 submitters: Uncertain significance (3). Last evaluated 2025-03-05.

Conditions:
Renal cell carcinoma. Identifiers: Orphanet 217071, MedGen C0007134, MeSH D002292, MONDO:0005086, HP:0005584.
Hereditary cancer-predisposing syndrome. Also called: Hereditary neoplastic syndrome; Tumor predisposition; Neoplastic Syndromes, Hereditary; Hereditary Cancer Syndrome. Identifiers: Orphanet 140162, MedGen C0027672, MeSH D009386, MONDO:0015356.

Allele frequency attached by ClinVar (database versions not stated): gnomAD exomes below 0.00001; gnomAD 0.00001 and 0.00002; TOPMed 0.00002.
gnomAD v4.1: 3 of 1,609,642 alleles (0.00019%); highest among the groups gnomAD compares: African/African-American, 0.0041%; no homozygotes.

Submissions (3):

Labcorp Genetics (formerly Invitae), Labcorp
Classification: Uncertain significance for Renal cell carcinoma. Last evaluated: 2025-03-05. Review status: criteria provided, single submitter. Criteria: Invitae Variant Classification Sherloc (09022015). Collection method: clinical testing. Allele origin: germline.
Comment: This sequence change replaces glycine, which is neutral and non-polar, with alanine, which is neutral and non-polar, at codon 880 of the MET protein (p.Gly880Ala). This variant is present in population databases (no rsID available, gnomAD 0.02%). This variant has not been reported in the literature in individuals affected with MET-related conditions. ClinVar contains an entry for this variant (Variation ID: 954717). An algorithm developed to predict the effect of missense changes on protein structure and function (PolyPhen-2) suggests that this variant is likely to be disruptive. In summary, the available evidence is currently insufficient to determine the role of this variant in disease. Therefore, it has been classified as a Variant of Uncertain Significance.

Ambry Genetics
Classification: Uncertain significance for Hereditary cancer-predisposing syndrome. Last evaluated: 2025-02-22. Review status: criteria provided, single submitter. Criteria: Ambry Variant Classification Scheme 2023. Collection method: clinical testing. Allele origin: germline.
Comment: The p.G880A variant (also known as c.2639G>C), located in coding exon 11 of the MET gene, results from a G to C substitution at nucleotide position 2639. The glycine at codon 880 is replaced by alanine, an amino acid with similar properties. This amino acid position is conserved. In addition, the in silico prediction for this alteration is inconclusive. Since supporting evidence is limited at this time, the clinical significance of this alteration remains unclear.

GeneDx
Classification: Uncertain significance. Last evaluated: 2024-08-16. Review status: criteria provided, single submitter. Criteria: GeneDx Variant Classification Process June 2021. Collection method: clinical testing. Allele origin: germline. Affected: yes.
Comment: Not observed at significant frequency in large population cohorts (gnomAD); In silico analysis supports that this missense variant has a deleterious effect on protein structure/function; Has not been previously published as pathogenic or benign to our knowledge